The following is an entry in ClinVar:

ClinVar aggregate classification (germline): Benign. Review status: criteria provided, single submitter (1 of 4 stars). 2 submissions from 2 submitters: Benign (1). 1 of the submissions does not count toward it. Last evaluated 2015-03-03.

Conditions:
TNFRSF1A-related disorder. Also called: TNFRSF1A-related condition.

Allele frequency attached by ClinVar (database versions not stated): gnomAD exomes below 0.00001 and 0.00002.
gnomAD v4.1: 32 of 1,600,588 alleles (0.002%); highest among the groups gnomAD compares: Non-Finnish European, 0.0027%; no homozygotes.

Submissions (2):

GeneDx
Classification: Benign. Last evaluated: 2015-03-03. Review status: criteria provided, single submitter. Criteria: GeneDx Variant Classification Process June 2021. Collection method: clinical testing. Allele origin: germline. Affected: yes.

PreventionGenetics, part of Exact Sciences
Classification: Likely benign for TNFRSF1A-related condition. Last evaluated: 2022-08-31. Review status: no assertion criteria provided. Collection method: clinical testing. Allele origin: germline. Not counted in ClinVar's aggregate classification.
Comment: This variant is classified as likely benign based on ACMG/AMP sequence variant interpretation guidelines (Richards et al. 2015 PMID: 25741868, with internal and published modifications).

NM_001065.4(TNFRSF1A):c.219A>G (p.Pro73=)

Gene: TNFRSF1A (TNF receptor superfamily member 1A; minus strand). Cytogenetic location: 12p13.31.
Variant type: single nucleotide variant.
Coding change: c.219A>G on transcript NM_001065.4 (MANE Select); coding-DNA position 219, A replaced by G.
Protein change: p.Pro73=; no amino-acid change (proline 73 retained).
Molecular consequence: synonymous variant. On other transcripts: 5 prime UTR variant (2), non-coding transcript variant (1).
Genome position (GRCh38, 1-based): chr12:6,333,840, T>C on the plus strand (A>G on the coding strand, the complement: TNFRSF1A is on the minus strand). VCF-style: chr12-6333840-T-C. GRCh37 (hg19) VCF-style: chr12-6443006-T-C.
Other names: c.-106A>G (NM_001346091.2); c.-359A>G (NM_001346092.2).
Identifiers: ClinVar variation 1220630 (VCV001220630.5), dbSNP rs1469912868, ClinGen allele CA383550701.
Genomic context (GRCh38, chr12:6,333,840, plus strand): 5'-TTCTGAAGCGGTGAAGGAGCCGCTCTCACACTCCCTGCAGTCCGTATCCTGCCCCGGGCC[T>C]GGACAGTCATTGTACAAGTAGGTTCCTGTGAATGGGGCCGCAGAGTTAGGCTGCGGGTGA-3'
Protein context (NP_001056.1, residues 63-83): HKGTYLYNDC[Pro73=]GPGQDTDCRE